The following is an entry in ClinVar:

NM_020458.4(TTC7A):c.248C>G (p.Ala83Gly)

Gene: TTC7A (tetratricopeptide repeat domain 7A; plus strand). Cytogenetic location: 2p21.
Variant type: single nucleotide variant.
Coding change: c.248C>G on transcript NM_020458.4 (MANE Select); coding-DNA position 248, C replaced by G.
Protein change: p.Ala83Gly; replaces alanine 83 with glycine.
Molecular consequence: missense variant. On other transcripts: 5 prime UTR variant (1).
Genome position (GRCh38, 1-based): chr2:46,950,426, C>G. VCF-style: chr2-46950426-C-G. GRCh37 (hg19) VCF-style: chr2-47177565-C-G.
Other names: c.248C>G, p.Ala83Gly (NM_001288951.2); c.146C>G, p.Ala49Gly (NM_001288953.2); c.-657C>G (NM_001288955.2); short protein forms A83G, A49G.
Identifiers: ClinVar variation 1517173 (VCV001517173.6), dbSNP rs145327046, ClinGen allele CA346717053.
Genomic context (GRCh38, chr2:46,950,426, plus strand): 5'-ACTTTGGGAAATTGCTGCTGGCTGAGGCCCTCCTGGAGCAGTGTTTGAAGGAGAACCATG[C>G]CAAAATAAAAGACTCCATGCCTTTGCTGGAGAAGAATGAGCCGAAGATGAGCGAAGCCAA-3'
Protein context (NP_065191.2, residues 73-93): LLEQCLKENH[Ala83Gly]KIKDSMPLLE

ClinVar aggregate classification (germline): Uncertain significance (1 of 4 stars; one submission).

Conditions:
Multiple gastrointestinal atresias. Also called: FAMILIAL INTESTINAL POLYATRESIA SYNDROME; Multiple intestinal atresia. Identifiers: Orphanet 2300, MedGen C0220744, MONDO:0009465.

Submission:

Labcorp Genetics (formerly Invitae), Labcorp
Classification: Uncertain significance for Multiple gastrointestinal atresias. Last evaluated: 2021-09-03. Review status: criteria provided, single submitter. Criteria: Invitae Variant Classification Sherloc (09022015). Collection method: clinical testing. Allele origin: germline.
Comment: This variant is not present in population databases (ExAC no frequency). This sequence change replaces alanine with glycine at codon 83 of the TTC7A protein (p.Ala83Gly). The alanine residue is weakly conserved and there is a small physicochemical difference between alanine and glycine. In summary, the available evidence is currently insufficient to determine the role of this variant in disease. Therefore, it has been classified as a Variant of Uncertain Significance. Algorithms developed to predict the effect of missense changes on protein structure and function output the following: SIFT: "Tolerated"; PolyPhen-2: "Benign"; Align-GVGD: "Class C0". The glycine amino acid residue is found in multiple mammalian species, which suggests that this missense change does not adversely affect protein function. This variant has not been reported in the literature in individuals affected with TTC7A-related conditions.